The following is an entry in ClinVar:

NM_032447.5(FBN3):c.7423G>A (p.Gly2475Ser)

Gene: FBN3 (fibrillin 3; minus strand). Cytogenetic location: 19p13.2.
Variant type: single nucleotide variant.
Coding change: c.7423G>A on transcript NM_032447.5 (MANE Select); coding-DNA position 7423, G replaced by A.
Protein change: p.Gly2475Ser; replaces glycine 2475 with serine.
Molecular consequence: missense variant.
Genome position (GRCh38, 1-based): chr19:8,081,033, C>T on the plus strand (G>A on the coding strand, the complement: FBN3 is on the minus strand). VCF-style: chr19-8081033-C-T. GRCh37 (hg19) VCF-style: chr19-8145917-C-T.
Other names: c.7423G>A, p.Gly2475Ser (NM_001321431.2); short protein forms G2475S.
Identifiers: ClinVar variation 3611909 (VCV003611909.3).

ClinVar aggregate classification (germline): Uncertain significance (1 of 4 stars; one submission).

gnomAD v4.1: 16 of 1,613,110 alleles (0.00099%); highest among the groups gnomAD compares: Middle Eastern, 0.016%; no homozygotes.

Submissions (2):

Labcorp Genetics (formerly Invitae), Labcorp
Classification: Uncertain significance. Last evaluated: 2024-04-29. Review status: criteria provided, single submitter. Criteria: Invitae Variant Classification Sherloc (09022015). Collection method: clinical testing. Allele origin: germline.
Comment: This sequence change replaces glycine, which is neutral and non-polar, with serine, which is neutral and polar, at codon 2475 of the FBN3 protein (p.Gly2475Ser). This variant is present in population databases (rs758643531, gnomAD 0.003%). This variant has not been reported in the literature in individuals affected with FBN3-related conditions. Advanced modeling of protein sequence and biophysical properties (such as structural, functional, and spatial information, amino acid conservation, physicochemical variation, residue mobility, and thermodynamic stability) performed at Invitae indicates that this missense variant is expected to disrupt FBN3 protein function with a positive predictive value of 80%. In summary, the available evidence is currently insufficient to determine the role of this variant in disease. Therefore, it has been classified as a Variant of Uncertain Significance.

Dr. Peter K. Rogan Lab, Western University
No classification provided (evidence only). Condition: Thyroid cancer, nonmedullary, 1. Review status: no classification provided. Collection method: in vitro. Allele origin: not applicable. Functional consequence: retained intron. Not counted in ClinVar's aggregate classification.